The following is an entry in ClinVar:

NM_014629.4(ARHGEF10):c.2374G>A (p.Gly792Arg)

Gene: ARHGEF10 (Rho guanine nucleotide exchange factor 10; plus strand). Cytogenetic location: 8p23.3.
Variant type: single nucleotide variant.
Coding change: c.2374G>A on transcript NM_014629.4 (MANE Select); coding-DNA position 2374, G replaced by A.
Protein change: p.Gly792Arg; replaces glycine 792 with arginine.
Molecular consequence: missense variant.
Genome position (GRCh38, 1-based): chr8:1,923,582, G>A. VCF-style: chr8-1923582-G-A. GRCh37 (hg19) VCF-style: chr8-1871748-G-A.
Other names: c.2260G>A, p.Gly754Arg (NM_001308152.2); c.2374G>A, p.Gly792Arg (NM_001308153.3); short protein forms G754R, G816R, G792R.
Identifiers: ClinVar variation 1424347 (VCV001424347.6), dbSNP rs146766107, ClinGen allele CA4600844.

ClinVar aggregate classification (germline): Uncertain significance (1 of 4 stars; one submission).

Allele frequency attached by ClinVar (database versions not stated): gnomAD exomes 0.00003 and 0.00004; TOPMed 0.00003; ExAC 0.00002; gnomAD 0.00002 and 0.00003; ESP Exome Variant Server 0.00008; 1000 Genomes Project 30x 0.00031; 1000 Genomes Project 0.00040.
gnomAD v4.1: 54 of 1,614,062 alleles (0.0033%); highest among the groups gnomAD compares: East Asian, 0.02%; no homozygotes.

Submission:

Labcorp Genetics (formerly Invitae), Labcorp
Classification: Uncertain significance. Last evaluated: 2023-05-07. Review status: criteria provided, single submitter. Criteria: Invitae Variant Classification Sherloc (09022015). Collection method: clinical testing. Allele origin: germline.
Comment: In summary, the available evidence is currently insufficient to determine the role of this variant in disease. Therefore, it has been classified as a Variant of Uncertain Significance. Advanced modeling of protein sequence and biophysical properties (such as structural, functional, and spatial information, amino acid conservation, physicochemical variation, residue mobility, and thermodynamic stability) performed at Invitae indicates that this missense variant is not expected to disrupt ARHGEF10 protein function. ClinVar contains an entry for this variant (Variation ID: 1424347). This variant has not been reported in the literature in individuals affected with ARHGEF10-related conditions. This variant is present in population databases (rs146766107, gnomAD 0.03%). This sequence change replaces glycine, which is neutral and non-polar, with arginine, which is basic and polar, at codon 792 of the ARHGEF10 protein (p.Gly792Arg).